The following is an entry in ClinVar:

NM_001244926.2(PRPF4):c.31A>T (p.Thr11Ser)

Gene: PRPF4 (pre-mRNA splicing tri-snRNP complex factor PRPF4; plus strand). Cytogenetic location: 9q32.
Variant type: single nucleotide variant.
Coding change: c.31A>T on transcript NM_001244926.2 (MANE Select); coding-DNA position 31, A replaced by T.
Protein change: p.Thr11Ser; replaces threonine 11 with serine.
Molecular consequence: missense variant. On other transcripts: 5 prime UTR variant (2), non-coding transcript variant (2).
Genome position (GRCh38, 1-based): chr9:113,276,551, A>T. VCF-style: chr9-113276551-A-T. GRCh37 (hg19) VCF-style: chr9-116038831-A-T.
Other names: c.-735A>T (NM_001322266.2, NM_001322267.2); c.34A>T, p.Thr12Ser (NM_004697.5); short protein forms T11S, T12S.
Identifiers: ClinVar variation 1443983 (VCV001443983.6), dbSNP rs2118581847, ClinGen allele CA374551115.

ClinVar aggregate classification (germline): Uncertain significance (1 of 4 stars; one submission).

Submission:

Labcorp Genetics (formerly Invitae), Labcorp
Classification: Uncertain significance. Last evaluated: 2021-07-27. Review status: criteria provided, single submitter. Criteria: Invitae Variant Classification Sherloc (09022015). Collection method: clinical testing. Allele origin: germline.
Comment: This sequence change replaces threonine with serine at codon 12 of the PRPF4 protein (p.Thr12Ser). The threonine residue is weakly conserved and there is a small physicochemical difference between threonine and serine. In summary, the available evidence is currently insufficient to determine the role of this variant in disease. Therefore, it has been classified as a Variant of Uncertain Significance. Algorithms developed to predict the effect of missense changes on protein structure and function are either unavailable or do not agree on the potential impact of this missense change (SIFT: "Deleterious"; PolyPhen-2: "Benign"; Align-GVGD: "Class C0"). This variant has not been reported in the literature in individuals affected with PRPF4-related conditions. This variant is not present in population databases (ExAC no frequency).